The following is an entry in ClinVar:

NM_002470.4(MYH3):c.4430C>T (p.Ser1477Phe)

Gene: MYH3 (myosin heavy chain 3; minus strand). Cytogenetic location: 17p13.1.
Variant type: single nucleotide variant.
Coding change: c.4430C>T on transcript NM_002470.4 (MANE Select); coding-DNA position 4430, C replaced by T.
Protein change: p.Ser1477Phe; replaces serine 1477 with phenylalanine.
Molecular consequence: missense variant.
Genome position (GRCh38, 1-based): chr17:10,634,109, G>A on the plus strand (C>T on the coding strand, the complement: MYH3 is on the minus strand). VCF-style: chr17-10634109-G-A. GRCh37 (hg19) VCF-style: chr17-10537426-G-A.
Other names: c.4430C>T (NM_002470.3); short protein forms S1477F.
Identifiers: ClinVar variation 1939919 (VCV001939919.7), dbSNP rs754188154, ClinGen allele CA398142928.
Genomic context (GRCh38, chr17:10,634,109, plus strand): 5'-TCAAGTTGATCTAAGGCTTCCTCGTAGGCATTTTTCAGTTTGAAGAGCTCAGTGCTCAAG[G>A]AGCGGGACTCCTTCAGGGATGCCTCCAGCTCTGCTTGGCTCTCCTCACACTTTGTCTTCC-3'
Protein context (NP_002461.2, residues 1467-1487): ELEASLKESR[Ser1477Phe]LSTELFKLKN

ClinVar aggregate classification (germline): Uncertain significance. Review status: criteria provided, multiple submitters, no conflicts (2 of 4 stars). 2 submissions from 2 submitters: Uncertain significance (2). Last evaluated 2023-01-24.

Conditions:
Inborn genetic diseases. Identifiers: MedGen C0950123, MeSH D030342.

Submissions (2):

Ambry Genetics
Classification: Uncertain significance for Inborn genetic diseases. Last evaluated: 2023-01-24. Review status: criteria provided, single submitter. Criteria: Ambry Variant Classification Scheme 2023. Collection method: clinical testing. Allele origin: germline.

Labcorp Genetics (formerly Invitae), Labcorp
Classification: Uncertain significance. Last evaluated: 2022-04-20. Review status: criteria provided, single submitter. Criteria: Invitae Variant Classification Sherloc (09022015). Collection method: clinical testing. Allele origin: germline.
Comment: In summary, the available evidence is currently insufficient to determine the role of this variant in disease. Therefore, it has been classified as a Variant of Uncertain Significance. Algorithms developed to predict the effect of missense changes on protein structure and function are either unavailable or do not agree on the potential impact of this missense change (SIFT: "Deleterious"; PolyPhen-2: "Benign"; Align-GVGD: "Class C65"). This variant has not been reported in the literature in individuals affected with MYH3-related conditions. This variant is not present in population databases (gnomAD no frequency). This sequence change replaces serine, which is neutral and polar, with phenylalanine, which is neutral and non-polar, at codon 1477 of the MYH3 protein (p.Ser1477Phe).